The following is an entry in ClinVar:

NM_005228.5(EGFR):c.3205T>C (p.Tyr1069His)

Gene: EGFR (epidermal growth factor receptor; plus strand). Cytogenetic location: 7p11.2.
Variant type: single nucleotide variant.
Coding change: c.3205T>C on transcript NM_005228.5 (MANE Select); coding-DNA position 3205, T replaced by C.
Protein change: p.Tyr1069His; replaces tyrosine 1069 with histidine.
Molecular consequence: missense variant.
Genome position (GRCh38, 1-based): chr7:55,202,559, T>C. VCF-style: chr7-55202559-T-C. GRCh37 (hg19) VCF-style: chr7-55270252-T-C.
Other names: c.3070T>C, p.Tyr1024His (NM_001346897.2, NM_001346899.2); c.3205T>C, p.Tyr1069His (NM_001346898.2); c.3046T>C, p.Tyr1016His (NM_001346900.2); c.2404T>C, p.Tyr802His (NM_001346941.2); short protein forms Y1016H, Y1024H, Y1069H, Y802H.
Identifiers: ClinVar variation 4870238 (VCV004870238.1).

ClinVar aggregate classification (germline): Uncertain significance (1 of 4 stars; one submission).

Conditions:
Hereditary cancer-predisposing syndrome. Also called: Neoplastic Syndromes, Hereditary; Tumor predisposition; Hereditary Cancer Syndrome; Hereditary neoplastic syndrome. Identifiers: Orphanet 140162, MedGen C0027672, MeSH D009386, MONDO:0015356.

Submission:

Ambry Genetics
Classification: Uncertain significance for Hereditary cancer-predisposing syndrome. Last evaluated: 2026-04-09. Review status: criteria provided, single submitter. Criteria: Ambry Variant Classification Scheme 2023. Collection method: clinical testing. Allele origin: germline.
Comment: The p.Y1069H variant (also known as c.3205T>C), located in coding exon 27 of the EGFR gene, results from a T to C substitution at nucleotide position 3205. The tyrosine at codon 1069 is replaced by histidine, an amino acid with similar properties. This amino acid position is conserved. In addition, the in silico prediction for this alteration is inconclusive. Based on the available evidence, the clinical significance of this variant remains unclear.